The following is an entry in ClinVar:

NM_001165963.4(SCN1A):c.2990C>T (p.Ala997Val)

Gene: SCN1A (sodium voltage-gated channel alpha subunit 1; minus strand). Cytogenetic location: 2q24.3.
Variant type: single nucleotide variant.
Coding change: c.2990C>T on transcript NM_001165963.4 (MANE Select); coding-DNA position 2990, C replaced by T.
Protein change: p.Ala997Val; replaces alanine 997 with valine.
Molecular consequence: missense variant. On other transcripts: non-coding transcript variant (1).
Genome position (GRCh38, 1-based): chr2:166,036,487, G>A on the plus strand (C>T on the coding strand, the complement: SCN1A is on the minus strand). VCF-style: chr2-166036487-G-A. GRCh37 (hg19) VCF-style: chr2-166892997-G-A.
Other names: c.2906C>T, p.Ala969Val (NM_001165964.3, NM_001353957.2, NM_001353958.2); c.2990C>T, p.Ala997Val (NM_001202435.3, NM_001353948.2); c.2957C>T, p.Ala986Val (NM_001353949.2, NM_001353950.2, NM_001353951.2 and 2 more transcripts); c.2954C>T, p.Ala985Val (NM_001353954.2, NM_001353955.2); c.2903C>T, p.Ala968Val (NM_001353960.2); c.548C>T, p.Ala183Val (NM_001353961.2); short protein forms A183V, A997V, A969V, A968V, A985V, A986V.
Identifiers: ClinVar variation 3634034 (VCV003634034.2).

ClinVar aggregate classification (germline): Uncertain significance (1 of 4 stars; one submission).

Conditions:
Early-infantile DEE. Also called: Early infantile epileptic encephalopathy; Ohtahara syndrome; Early infantile epileptic encephalopathy with suppression bursts. Identifiers: Orphanet 1934, MedGen C0393706, MONDO:0800491.

Submission:

Labcorp Genetics (formerly Invitae), Labcorp
Classification: Uncertain significance for Early-infantile DEE. Last evaluated: 2024-12-12. Review status: criteria provided, single submitter. Criteria: Invitae Variant Classification Sherloc (09022015). Collection method: clinical testing. Allele origin: germline.
Comment: This sequence change replaces alanine, which is neutral and non-polar, with valine, which is neutral and non-polar, at codon 997 of the SCN1A protein (p.Ala997Val). This variant is not present in population databases (gnomAD no frequency). This variant has not been reported in the literature in individuals affected with SCN1A-related conditions. Invitae Evidence Modeling of protein sequence and biophysical properties (such as structural, functional, and spatial information, amino acid conservation, physicochemical variation, residue mobility, and thermodynamic stability) indicates that this missense variant is expected to disrupt SCN1A protein function with a positive predictive value of 95%. In summary, the available evidence is currently insufficient to determine the role of this variant in disease. Therefore, it has been classified as a Variant of Uncertain Significance.